The following is an entry in ClinVar:

ClinVar aggregate classification (germline): Likely benign. Review status: criteria provided, single submitter (1 of 4 stars). 2 submissions from 2 submitters: Likely benign (1). 1 of the submissions does not count toward it. Last evaluated 2025-01-23.

Conditions:
Hereditary cancer-predisposing syndrome. Also called: Neoplastic Syndromes, Hereditary; Tumor predisposition; Hereditary Cancer Syndrome; Hereditary neoplastic syndrome. Identifiers: Orphanet 140162, MedGen C0027672, MeSH D009386, MONDO:0015356.
ALK-related disorder. Also called: ALK-related condition.

Allele frequency attached by ClinVar (database versions not stated): TOPMed 0.00001.
gnomAD v4.1: 109 of 1,535,128 alleles (0.0071%); highest among the groups gnomAD compares: Non-Finnish European, 0.0091%; 1 homozygote.

Submissions (2):

Ambry Genetics
Classification: Likely benign for Hereditary cancer-predisposing syndrome. Last evaluated: 2025-01-23. Review status: criteria provided, single submitter. Criteria: Ambry Variant Classification Scheme 2023. Collection method: clinical testing. Allele origin: germline.

PreventionGenetics, part of Exact Sciences
Classification: Likely benign for ALK-related condition. Last evaluated: 2022-01-06. Review status: no assertion criteria provided. Collection method: clinical testing. Allele origin: germline. Not counted in ClinVar's aggregate classification.
Comment: This variant is classified as likely benign based on ACMG/AMP sequence variant interpretation guidelines (Richards et al. 2015 PMID: 25741868, with internal and published modifications).

NM_004304.5(ALK):c.-3G>C

Gene: ALK (ALK receptor tyrosine kinase; minus strand). Cytogenetic location: 2p23.1.
Variant type: single nucleotide variant.
Coding change: c.-3G>C on transcript NM_004304.5 (MANE Select); 3 bases upstream of the start codon, G replaced by C.
Molecular consequence: 5 prime UTR variant.
Genome position (GRCh38, 1-based): chr2:29,920,662, C>G on the plus strand (G>C on the coding strand, the complement: ALK is on the minus strand). VCF-style: chr2-29920662-C-G. GRCh37 (hg19) VCF-style: chr2-30143528-C-G.
Identifiers: ClinVar variation 485078 (VCV000485078.8), dbSNP rs1031317995, ClinGen allele CA45004791.